The following is an entry in ClinVar:

ClinVar aggregate classification (germline): Conflicting classifications of pathogenicity. Review status: criteria provided, conflicting classifications (1 of 4 stars). 6 submissions from 5 submitters: Uncertain significance (3); Likely benign (1). 2 of the submissions do not count toward it. Last evaluated 2026-06-16.

Conditions:
Retinal dystrophy. Also called: Inherited retinal dystrophy. Identifiers: Orphanet 71862, MedGen C0854723, MeSH D058499, MONDO:0019118, HP:0000556.
SCLT1-related disorder. Also called: SCLT1-related condition.
Optic atrophy. Identifiers: MedGen C0029124, MONDO:0003608, HP:0000648.

Allele frequency attached by ClinVar (database versions not stated): ESP Exome Variant Server 0.00092; gnomAD exomes 0.00113 and 0.00064; gnomAD 0.00062 and 0.00066; ExAC 0.00065; TOPMed 0.00068.
gnomAD v4.1: 1,694 of 1,599,560 alleles (0.11%); highest among the groups gnomAD compares: Non-Finnish European, 0.14%; no homozygotes.

Submissions (6):

PreventionGenetics, part of Exact Sciences
Classification: Uncertain significance for SCLT1-related condition. Last evaluated: 2026-06-16. Review status: criteria provided, single submitter. Criteria: ACMG Guidelines, 2015. Collection method: clinical testing. Allele origin: germline.
Comment: The SCLT1 c.447A>T variant is predicted to result in the amino acid substitution p.Glu149Asp. To our knowledge, this variant has not been reported in the literature. This variant is reported in 0.13% of alleles in individuals of European (Non-Finnish) descent in gnomAD, which may be too frequent to be a primary cause of disease. Although we suspect that this variant may be benign, at this time, the clinical significance of this variant is uncertain due to the absence of conclusive functional and genetic evidence.

Ambry Genetics
Classification: Uncertain significance. Last evaluated: 2025-01-22. Review status: criteria provided, single submitter. Criteria: Ambry Variant Classification Scheme 2023. Collection method: clinical testing. Allele origin: germline.

Labcorp Genetics (formerly Invitae), Labcorp
Classification: Uncertain significance. Last evaluated: 2024-12-11. Review status: criteria provided, single submitter. Criteria: Invitae Variant Classification Sherloc (09022015). Collection method: clinical testing. Allele origin: germline.
Comment: This sequence change replaces glutamic acid, which is acidic and polar, with aspartic acid, which is acidic and polar, at codon 149 of the SCLT1 protein (p.Glu149Asp). This variant is present in population databases (rs140181990, gnomAD 0.1%), and has an allele count higher than expected for a pathogenic variant. This variant has not been reported in the literature in individuals affected with SCLT1-related conditions. ClinVar contains an entry for this variant (Variation ID: 1022315). An algorithm developed to predict the effect of missense changes on protein structure and function (PolyPhen-2) suggests that this variant is likely to be disruptive. In summary, the available evidence is currently insufficient to determine the role of this variant in disease. Therefore, it has been classified as a Variant of Uncertain Significance.

Blueprint Genetics
Classification: Likely benign. Last evaluated: 2024-09-02. Review status: criteria provided, single submitter. Criteria: ACMG Guidelines, 2015. Collection method: clinical testing. Allele origin: germline.

Institute of Human Genetics, Univ. Regensburg, Univ. Regensburg
Classification: Uncertain significance for Optic atrophy. Last evaluated: 2022-01-01. Review status: no assertion criteria provided. Criteria: ACMG Guidelines, 2015. Collection method: clinical testing. Allele origin: germline. Affected: yes. Not counted in ClinVar's aggregate classification.

Institute of Human Genetics, Univ. Regensburg, Univ. Regensburg
Classification: Uncertain significance for Retinal dystrophy. Last evaluated: 2022-01-01. Review status: no assertion criteria provided. Criteria: ACMG Guidelines, 2015. Collection method: clinical testing. Allele origin: germline. Affected: yes. Not counted in ClinVar's aggregate classification.

NM_144643.4(SCLT1):c.447A>T (p.Glu149Asp)

Gene: SCLT1 (sodium channel and clathrin linker 1; minus strand). Cytogenetic location: 4q28.2.
Variant type: single nucleotide variant.
Coding change: c.447A>T on transcript NM_144643.4 (MANE Select); coding-DNA position 447, A replaced by T.
Protein change: p.Glu149Asp; replaces glutamic acid 149 with aspartic acid.
Molecular consequence: missense variant.
Genome position (GRCh38, 1-based): chr4:128,999,774, T>A on the plus strand (A>T on the coding strand, the complement: SCLT1 is on the minus strand). VCF-style: chr4-128999774-T-A. GRCh37 (hg19) VCF-style: chr4-129920929-T-A.
Other names: c.447A>T (NM_144643.2, NM_144643.3); short protein forms E149D.
Identifiers: ClinVar variation 1022315 (VCV001022315.10), dbSNP rs140181990, ClinGen allele CA3079936.